The following is an entry in ClinVar:

ClinVar aggregate classification (germline): Uncertain significance (1 of 4 stars; one submission).

Submission:

Women's Health and Genetics/Laboratory Corporation of America, LabCorp
Classification: Uncertain significance. Last evaluated: 2026-04-27. Review status: criteria provided, single submitter. Criteria: LabCorp Variant Classification Summary - May 2015. Collection method: clinical testing. Allele origin: germline.
Comment: Variant summary: COL3A1 c.1580A>T (p.Asp527Val) results in a non-conservative amino acid change in the encoded protein sequence. Algorithms developed to predict the effect of missense changes on protein structure and function all suggest that this variant is likely to be disruptive. The variant was absent in 171142 control chromosomes. The available data on variant occurrences in the general population are insufficient to allow any conclusion about variant significance. To our knowledge, no occurrence of c.1580A>T in individuals affected with COL3A1-related conditions and no experimental evidence demonstrating its impact on protein function have been reported. No submitters have cited clinical-significance assessments for this variant to ClinVar. Based on the evidence outlined above, the variant was classified as uncertain significance.

NM_000090.4(COL3A1):c.1580A>T (p.Asp527Val)

Gene: COL3A1 (collagen type III alpha 1 chain; plus strand). Cytogenetic location: 2q32.2.
Variant type: single nucleotide variant.
Coding change: c.1580A>T on transcript NM_000090.4 (MANE Select); coding-DNA position 1580, A replaced by T.
Protein change: p.Asp527Val; replaces aspartic acid 527 with valine.
Molecular consequence: missense variant.
Genome position (GRCh38, 1-based): chr2:188,995,762, A>T. VCF-style: chr2-188995762-A-T. GRCh37 (hg19) VCF-style: chr2-189860488-A-T.
Other names: short protein forms D527V.
Identifiers: ClinVar variation 4849031 (VCV004849031.1).